The following is an entry in ClinVar:

ClinVar aggregate classification (germline): Uncertain significance. Review status: criteria provided, multiple submitters, no conflicts (2 of 4 stars). 4 submissions from 4 submitters: Uncertain significance (3). 1 of the submissions does not count toward it. Last evaluated 2024-05-29.

Conditions:
Cardiomyopathy (CMYO). Also called: Cardiomyopathies. Identifiers: Orphanet 167848, MedGen C0878544, MONDO:0004994, HP:0001638. Inheritance: Various modes of inheritance.

Allele frequency attached by ClinVar (database versions not stated): gnomAD 0.00003 and 0.00005; TOPMed 0.00007; gnomAD exomes 0.00010; ExAC 0.00011; 1000 Genomes Project 30x 0.00016.
gnomAD v4.1: 93 of 1,612,742 alleles (0.0058%); highest among the groups gnomAD compares: East Asian, 0.027%; no homozygotes.

Submissions (4):

Revvity Omics, Revvity
Classification: Uncertain significance. Last evaluated: 2024-05-29. Review status: criteria provided, single submitter. Criteria: ACMG Guidelines, 2015. Collection method: clinical testing. Allele origin: germline.

CeGaT Center for Human Genetics Tuebingen
Classification: Uncertain significance. Last evaluated: 2023-08-01. Review status: criteria provided, single submitter. Criteria: CeGaT Center For Human Genetics Tuebingen Variant Classification Criteria Version 2. Collection method: clinical testing. Allele origin: germline. Affected: yes. Observed: 1 variant allele.
Comment: TTN: PM2, BP4

CHEO Genetics Diagnostic Laboratory, Children's Hospital of Eastern Ontario
Classification: Uncertain significance for Cardiomyopathy. Last evaluated: 2021-09-10. Review status: criteria provided, single submitter. Criteria: ACMG Guidelines, 2015. Collection method: clinical testing. Allele origin: germline.

GeneDx
No classification provided. Last evaluated: 2014-08-18. Review status: no classification provided. Criteria: GeneDx Variant Classification (06012015). Collection method: clinical testing. Allele origin: germline. Affected: yes. Not counted in ClinVar's aggregate classification.
Comment: Missense variants in the TTN gene are considered 'unclassified' if they are not previously reported in the literature and do not have >1% frequency in the population to be considered a polymorphism. Research indicates that truncating mutations in the TTN gene are expected to account for approximately 25% of familial and 18% of sporadic idiopathic DCM; however, truncating variants in the TTN gene have been reported in approximately 3% of reported control alleles. There has been little investigation into non-truncating variants. (Herman D et al. Truncations of titin causing dilated cardiomyopathy. N Eng J Med 366:619-628, 2012) The variant is found in DCM-CRDM panel(s).

NM_001267550.2(TTN):c.26464G>A (p.Ala8822Thr)

Gene: TTN (titin; minus strand). Cytogenetic location: 2q31.2.
Variant type: single nucleotide variant.
Coding change: c.26464G>A on transcript NM_001267550.2 (MANE Select); coding-DNA position 26464, G replaced by A.
Protein change: p.Ala8822Thr; replaces alanine 8822 with threonine.
Molecular consequence: missense variant. On other transcripts: intron variant (3).
Genome position (GRCh38, 1-based): chr2:178,714,310, C>T on the plus strand (G>A on the coding strand, the complement: TTN is on the minus strand). VCF-style: chr2-178714310-C-T. GRCh37 (hg19) VCF-style: chr2-179579037-C-T.
Other names: p.A8505T:GCC>ACC; c.25513G>A, p.Ala8505Thr (NM_001256850.1); c.22732G>A, p.Ala7578Thr (NM_133378.4); c.13282+23772G>A (NM_003319.4); c.13858+23772G>A (NM_133437.4); c.13657+23772G>A (NM_133432.3); short protein forms A8505T, A8822T, A7578T.
Identifiers: ClinVar variation 203346 (VCV000203346.30), dbSNP rs184883436, ClinGen allele CA312106.